The following is an entry in ClinVar:

ClinVar aggregate classification (germline): Uncertain significance (1 of 4 stars; one submission).

Conditions:
Amyotrophic lateral sclerosis type 4 (ALS4). Also called: AMYOTROPHIC LATERAL SCLEROSIS 4, JUVENILE; NEURONOPATHY, DISTAL HEREDITARY MOTOR, WITH PYRAMIDAL FEATURES. Identifiers: Orphanet 357043, MedGen C1865409, MONDO:0011223, OMIM 602433.
Spinocerebellar ataxia, autosomal recessive, with axonal neuropathy 2 (SCAN2). Also called: Ataxia with Oculomotor Apraxia; ATAXIA-OCULOMOTOR APRAXIA 2; Ataxia-ocular apraxia-2; Ataxia with Oculomotor Apraxia Type 2. Identifiers: Orphanet 64753, MedGen C1853761, MONDO:0018996, OMIM 606002.

Submission:

Labcorp Genetics (formerly Invitae), Labcorp
Classification: Uncertain significance for Amyotrophic lateral sclerosis type 4; Spinocerebellar ataxia, autosomal recessive, with axonal neuropathy 2. Last evaluated: 2023-01-14. Review status: criteria provided, single submitter. Criteria: Invitae Variant Classification Sherloc (09022015). Collection method: clinical testing. Allele origin: germline.
Comment: Advanced modeling of protein sequence and biophysical properties (such as structural, functional, and spatial information, amino acid conservation, physicochemical variation, residue mobility, and thermodynamic stability) performed at Invitae indicates that this missense variant is not expected to disrupt SETX protein function. In summary, the available evidence is currently insufficient to determine the role of this variant in disease. Therefore, it has been classified as a Variant of Uncertain Significance. This variant has not been reported in the literature in individuals affected with SETX-related conditions. This variant is not present in population databases (gnomAD no frequency). This sequence change replaces asparagine, which is neutral and polar, with lysine, which is basic and polar, at codon 860 of the SETX protein (p.Asn860Lys).

NM_015046.7(SETX):c.2580C>A (p.Asn860Lys)

Gene: SETX (senataxin; minus strand). Cytogenetic location: 9q34.13.
Variant type: single nucleotide variant.
Coding change: c.2580C>A on transcript NM_015046.7 (MANE Select); coding-DNA position 2580, C replaced by A.
Protein change: p.Asn860Lys; replaces asparagine 860 with lysine.
Molecular consequence: missense variant.
Genome position (GRCh38, 1-based): chr9:132,329,018, G>T on the plus strand (C>A on the coding strand, the complement: SETX is on the minus strand). VCF-style: chr9-132329018-G-T. GRCh37 (hg19) VCF-style: chr9-135204405-G-T.
Other names: c.2580C>A, p.Asn860Lys (NM_001351527.2, NM_001351528.2); short protein forms N860K.
Identifiers: ClinVar variation 2943199 (VCV002943199.3), dbSNP rs372003572, ClinGen allele CA375335245.
Genomic context (GRCh38, chr9:132,329,018, plus strand): 5'-ATGGAAAGAGAAAATAACTAATTCTTCATTCTTTAATTGTTTCTCTTTTGGCAATACATT[G>T]TTTTGAGATTTTTGTTCTCCATTCTTATCATCCAGAACACCACTAGGGTCTAAAGAAAGA-3'
Protein context (NP_055861.3, residues 850-870): DDKNGEQKSQ[Asn860Lys]NVLPKEKQLK